The following is an entry in ClinVar:

NM_004369.4(COL6A3):c.3196C>T (p.Arg1066Cys)

Gene: COL6A3 (collagen type VI alpha 3 chain; minus strand). Cytogenetic location: 2q37.3.
Variant type: single nucleotide variant.
Coding change: c.3196C>T on transcript NM_004369.4 (MANE Select); coding-DNA position 3196, C replaced by T.
Protein change: p.Arg1066Cys; replaces arginine 1066 with cysteine.
Molecular consequence: missense variant.
Genome position (GRCh38, 1-based): chr2:237,374,895, G>A on the plus strand (C>T on the coding strand, the complement: COL6A3 is on the minus strand). VCF-style: chr2-237374895-G-A. GRCh37 (hg19) VCF-style: chr2-238283538-G-A.
Other names: c.1975C>T, p.Arg659Cys (NM_057164.5); c.2578C>T, p.Arg860Cys (NM_057165.5, NM_057167.4); c.1375C>T, p.Arg459Cys (NM_057166.5); c.3196C>T (NM_004369.3); short protein forms R1066C, R459C, R659C, R860C.
Identifiers: ClinVar variation 1021944 (VCV001021944.14), dbSNP rs774406266, ClinGen allele CA2189221.

ClinVar aggregate classification (germline): Conflicting classifications of pathogenicity. Review status: criteria provided, conflicting classifications (1 of 4 stars). 5 submissions from 5 submitters: Uncertain significance (4); Likely benign (1). Last evaluated 2025-01-07.

Conditions:
Dystonia 27 (DYT27). Identifiers: Orphanet 464440, MedGen C4225336, MONDO:0014627, OMIM 616411.
Bethlem myopathy 1A. Also called: Bethlem Muscular Dystrophy; MYOPATHY, BENIGN CONGENITAL, WITH CONTRACTURES; Bethlem myopathy 1. Identifiers: Orphanet 610, MedGen CN029274, MONDO:0024530, OMIM 158810.
Ullrich congenital muscular dystrophy 1A. Also called: Ullrich congenital muscular dystrophy 1; Intermediate COL6-RD. Identifiers: Orphanet 75840, MedGen C0410179, MONDO:0009681, OMIM 254090.
Inborn genetic diseases. Identifiers: MedGen C0950123, MeSH D030342.

Allele frequency attached by ClinVar (database versions not stated): gnomAD exomes 0.00003 and 0.00008; TOPMed 0.00003; gnomAD 0.00004 and 0.00005; ExAC 0.00008.
gnomAD v4.1: 57 of 1,613,854 alleles (0.0035%); highest among the groups gnomAD compares: East Asian, 0.036%; no homozygotes.

Submissions (5):

Labcorp Genetics (formerly Invitae), Labcorp
Classification: Likely benign for Bethlem myopathy 1A. Last evaluated: 2025-01-07. Review status: criteria provided, single submitter. Criteria: Invitae Variant Classification Sherloc (09022015). Collection method: clinical testing. Allele origin: germline.

Ambry Genetics
Classification: Uncertain significance for Inborn genetic diseases. Last evaluated: 2023-12-15. Review status: criteria provided, single submitter. Criteria: Ambry Variant Classification Scheme 2023. Collection method: clinical testing. Allele origin: germline.

GeneDx
Classification: Uncertain significance. Last evaluated: 2023-02-22. Review status: criteria provided, single submitter. Criteria: GeneDx Variant Classification Process June 2021. Collection method: clinical testing. Allele origin: germline. Affected: yes.
Comment: In silico analysis supports that this missense variant has a deleterious effect on protein structure/function; Has not been previously published as pathogenic or benign to our knowledge

Department of Pathology and Laboratory Medicine, Sinai Health System
Classification: Uncertain significance for dystonia 27. Last evaluated: 2021-08-10. Review status: criteria provided, single submitter. Criteria: ACMG Guidelines, 2015. Collection method: research. Allele origin: germline.

Juno Genomics, Hangzhou Juno Genomics, Inc
Classification: Uncertain significance for Bethlem myopathy 1A; Dystonia 27; Ullrich congenital muscular dystrophy 1A. Review status: criteria provided, single submitter. Criteria: ACMG Guidelines, 2015. Collection method: clinical testing. Allele origin: germline.
Comment: Absent from controls (or at extremely low frequency if recessive) in Genome Aggregation Database.;Multiple lines of computational evidence support a deleterious effect on the gene or gene product.